The following is an entry in ClinVar:

ClinVar aggregate classification (germline): Uncertain significance. Review status: criteria provided, multiple submitters, no conflicts (2 of 4 stars). 2 submissions from 2 submitters: Uncertain significance (2). Last evaluated 2025-11-19.

Allele frequency attached by ClinVar (database versions not stated): ExAC 0.00001; gnomAD exomes below 0.00001; TOPMed 0.00001; gnomAD 0.00002.
gnomAD v4.1: 4 of 1,208,667 alleles (0.00033%); highest among the groups gnomAD compares: Non-Finnish European, 0.00045%; no homozygotes.

Submissions (2):

Labcorp Genetics (formerly Invitae), Labcorp
Classification: Uncertain significance. Last evaluated: 2025-11-19. Review status: criteria provided, single submitter. Criteria: Invitae Variant Classification Sherloc (09022015). Collection method: clinical testing. Allele origin: germline.
Comment: This sequence change replaces asparagine, which is neutral and polar, with aspartic acid, which is acidic and polar, at codon 188 of the NEXMIF protein (p.Asn188Asp). The frequency data for this variant in the population databases is considered unreliable, as metrics indicate poor data quality at this position in the gnomAD database. This variant has not been reported in the literature in individuals affected with NEXMIF-related conditions. ClinVar contains an entry for this variant (Variation ID: 2003262). An algorithm developed to predict the effect of missense changes on protein structure and function (PolyPhen-2) suggests that this variant is likely to be tolerated. In summary, the available evidence is currently insufficient to determine the role of this variant in disease. Therefore, it has been classified as a Variant of Uncertain Significance.

Women's Health and Genetics/Laboratory Corporation of America, LabCorp
Classification: Uncertain significance. Last evaluated: 2025-10-20. Review status: criteria provided, single submitter. Criteria: LabCorp Variant Classification Summary - May 2015. Collection method: clinical testing. Allele origin: germline.
Comment: Variant summary: NEXMIF c.562A>G (p.Asn188Asp) results in a conservative amino acid change in the encoded protein sequence. Algorithms developed to predict the effect of missense changes on protein structure and function are either unavailable or do not agree on the potential impact of this missense change. The variant allele was found at a frequency of 5.5e-06 in 182894 control chromosomes. The available data on variant occurrences in the general population are insufficient to allow any conclusion about variant significance. To our knowledge, no occurrence of c.562A>G in individuals affected with NEXMIF-related conditions and no experimental evidence demonstrating its impact on protein function have been reported. ClinVar contains an entry for this variant (Variation ID: 2003262). Based on the evidence outlined above, the variant was classified as uncertain significance.

NM_001008537.3(NEXMIF):c.562A>G (p.Asn188Asp)

Gene: NEXMIF (neurite extension and migration factor; minus strand). Cytogenetic location: Xq13.3.
Variant type: single nucleotide variant.
Coding change: c.562A>G on transcript NM_001008537.3 (MANE Select); coding-DNA position 562, A replaced by G.
Protein change: p.Asn188Asp; replaces asparagine 188 with aspartic acid.
Molecular consequence: missense variant.
Genome position (GRCh38, 1-based): chrX:74,743,995, T>C on the plus strand (A>G on the coding strand, the complement: NEXMIF is on the minus strand). VCF-style: chrX-74743995-T-C. GRCh37 (hg19) VCF-style: chrX-73963830-T-C.
Other names: short protein forms N188D.
Identifiers: ClinVar variation 2003262 (VCV002003262.5), dbSNP rs754915589, ClinGen allele CA10455197.